The following is an entry in ClinVar:

NM_000536.4(RAG2):c.955G>T (p.Gly319Ter)

Gene: RAG2 (recombination activating 2; minus strand). Cytogenetic location: 11p12.
Variant type: single nucleotide variant.
Coding change: c.955G>T on transcript NM_000536.4 (MANE Select); coding-DNA position 955, G replaced by T.
Protein change: p.Gly319Ter; replaces glycine 319 with a stop codon.
Molecular consequence: nonsense.
Genome position (GRCh38, 1-based): chr11:36,593,214, C>A on the plus strand (G>T on the coding strand, the complement: RAG2 is on the minus strand). VCF-style: chr11-36593214-C-A. GRCh37 (hg19) VCF-style: chr11-36614764-C-A.
Other names: NM_000536.4(RAG2):c.955G>T; p.Gly319Ter; c.955G>T, p.Gly319Ter (NM_001243785.2, NM_001243786.2); short protein forms G319*.
Identifiers: ClinVar variation 500475 (VCV000500475.16), dbSNP rs879541124, ClinGen allele CA220579698.
Genomic context (GRCh38, chr11:36,593,214, plus strand): 5'-CAACTTGTTTATTGTCTCCTGGTATGCCAAGAAAAACAGTTCCATTTCCCATGTTGCTTC[C>A]AAACCATATCTTGCTGTGCTTAATGTCTGGGGTCCAATCTGGGGTCTCCATCTCACGAAT-3'

ClinVar aggregate classification (germline): Likely pathogenic. Review status: reviewed by expert panel (3 of 4 stars). 6 submissions from 6 submitters: Likely pathogenic (1). 5 of the submissions do not count toward it. Last evaluated 2023-11-14.

Conditions:
Recombinase activating gene 2 deficiency. Also called: RAG2 deficiency. Identifiers: MedGen CN257931, MONDO:0000573.
Combined immunodeficiency with skin granulomas. Identifiers: Orphanet 157949, MedGen C2673536, MONDO:0009306, OMIM 233650.
Severe combined immunodeficiency, autosomal recessive, T cell-negative, B cell-negative, NK cell-positive. Also called: SCID, AR, T-cell negative, B-cell negative, NK cell-positive; SCID, T CELL-NEGATIVE, B CELL-NEGATIVE, NK CELL-POSITIVE; Severe combined immunodeficiency due to complete RAG1/2 deficiency. Identifiers: Orphanet 331206, MedGen C1832322, MONDO:0011086, OMIM 601457.
Histiocytic medullary reticulosis. Also called: SEVERE COMBINED IMMUNODEFICIENCY WITH HYPEREOSINOPHILIA; Omenn syndrome. Identifiers: Orphanet 39041, MedGen C2700553, MONDO:0011338, OMIM 603554.

Allele frequency attached by ClinVar (database versions not stated): gnomAD exomes below 0.00001; TOPMed 0.00001.
gnomAD v4.1: 5 of 1,614,168 alleles (0.00031%); highest among the groups gnomAD compares: African/African-American, 0.0013%; no homozygotes.

Submissions (6):

ClinGen Severe Combined Immunodeficiency Variant Curation Expert Panel, ClinGen
Classification: Likely pathogenic for Recombinase activating gene 2 deficiency. Last evaluated: 2023-11-14. Review status: reviewed by expert panel. Criteria: ClinGen SCID ACMG Specifications RAG2 V1.0.0. Collection method: curation. Allele origin: germline. Inheritance: Autosomal recessive inheritance.
Comment: The NM_000536.4:c.955G>T variant in RAG2 is a nonsense variant predicted to result in a truncated protein (p.Gly319*). Although this variant is expected to escape nonsense-mediated decay (NMD), it would be expected to disrupt approximately 40% of the RAG2 protein. In addition, this variant would be expected to disrupt/remove the entire PHD domain (amino acids 414-487), which is defined as a mutational hotspot/critical functional domain by the ClinGen SCID VCEP (PMID: 15964836). PVS1 met. This variant is absent from gnomAD v2.1.1 (PM2_Supporting). To our knowledge, the variant has not been identified in the literature in patients/case reports or functional studies. In summary, this variant meets the criteria to be classified as Likely Pathogenic for autosomal recessive SCID based on the ACMG/AMP criteria applied, as specified by the ClinGen SCID VCEP: PM2 and PVS1 (VCEP specifications version 1).

Myriad Genetics, Inc.
Classification: Pathogenic for Recombinase activating gene 2 deficiency. Last evaluated: 2025-10-10. Review status: criteria provided, single submitter. Criteria: Myriad Autosomal Dominant, Autosomal Recessive and X-Linked Classification Criteria (2023). Collection method: clinical testing. Allele origin: unknown. Not counted in ClinVar's aggregate classification.
Comment: NM_001243785.1(RAG2):c.955G>T(G319*) is a nonsense variant classified as pathogenic in the context of severe combined immunodeficiency, RAG2-related. G319* has not been observed in cases with relevant disease. Relevant functional assessments of this variant are not available in the literature. G319* has not been observed in referenced population frequency databases. In summary, NM_001243785.1(RAG2):c.955G>T(G319*) is a nonsense variant in a gene where loss of function is a known mechanism of disease and is predicted to disrupt protein function. Please note: this variant was assessed in the context of healthy population screening.

Natera, Inc.
Classification: Likely pathogenic for Omenn syndrome. Last evaluated: 2025-08-31. Review status: criteria provided, single submitter. Criteria: Natera Variant Classification Schema (03/2026). Collection method: clinical testing. Allele origin: germline. Not counted in ClinVar's aggregate classification.
Comment: The c.955G>T variant in RAG2 is a nonsense variant predicted to introduce a stop codon at amino acid 319. This variant is expected to result in nonsense mediated decay, truncation, or a dysfunctional protein product. This variant is rare in the general population with a frequency below the threshold expected for the associated phenotype(s). Given the available evidence, this variant is classified as Likely Pathogenic.

Labcorp Genetics (formerly Invitae), Labcorp
Classification: Pathogenic for Combined immunodeficiency with skin granulomas; Severe combined immunodeficiency, autosomal recessive, T cell-negative, B cell-negative, NK cell-positive. Last evaluated: 2023-10-20. Review status: criteria provided, single submitter. Criteria: Invitae Variant Classification Sherloc (09022015). Collection method: clinical testing. Allele origin: germline. Not counted in ClinVar's aggregate classification.
Comment: This sequence change creates a premature translational stop signal (p.Gly319*) in the RAG2 gene. While this is not anticipated to result in nonsense mediated decay, it is expected to disrupt the last 209 amino acid(s) of the RAG2 protein. This variant is not present in population databases (gnomAD no frequency). This variant has not been reported in the literature in individuals affected with RAG2-related conditions. ClinVar contains an entry for this variant (Variation ID: 500475). This variant disrupts a region of the RAG2 protein in which other variant(s) (p.His468Argfs*16, p.Arg523Glufs*49, p.Glu480*) have been determined to be pathogenic (PMID: 21624848, 24144642, 26915675). This suggests that this is a clinically significant region of the protein, and that variants that disrupt it are likely to be disease-causing. For these reasons, this variant has been classified as Pathogenic.

Baylor Genetics
Classification: Likely pathogenic for Combined immunodeficiency with skin granulomas. Last evaluated: 2022-10-03. Review status: criteria provided, single submitter. Criteria: ACMG Guidelines, 2015. Collection method: clinical testing. Allele origin: unknown. Not counted in ClinVar's aggregate classification.

Eurofins Ntd Llc (ga)
Classification: Pathogenic. Last evaluated: 2017-02-21. Review status: criteria provided, single submitter. Criteria: EGL Classification Definitions 2015. Collection method: clinical testing. Allele origin: germline. Observed: 1 variant allele, 1 heterozygote. Not counted in ClinVar's aggregate classification.

Literature cited by the submitters: PubMed 21624848 (cited by Labcorp Genetics (formerly Invitae), Labcorp); PubMed 24144642 (cited by Labcorp Genetics (formerly Invitae), Labcorp); PubMed 26915675 (cited by Labcorp Genetics (formerly Invitae), Labcorp).